The following is an entry in ClinVar:

NM_001376.5(DYNC1H1):c.2538+4T>C

Gene: DYNC1H1 (dynein cytoplasmic 1 heavy chain 1; plus strand). Cytogenetic location: 14q32.31.
Variant type: single nucleotide variant.
Coding change: c.2538+4T>C on transcript NM_001376.5 (MANE Select); 4 bases into the intron after coding-DNA position 2538, T replaced by C.
Molecular consequence: intron variant.
Genome position (GRCh38, 1-based): chr14:101,986,767, T>C. VCF-style: chr14-101986767-T-C. GRCh37 (hg19) VCF-style: chr14-102453104-T-C.
Identifiers: ClinVar variation 3694584 (VCV003694584.2).

ClinVar aggregate classification (germline): Uncertain significance (1 of 4 stars; one submission).

Conditions:
Charcot-Marie-Tooth disease axonal type 2O. Also called: CHARCOT-MARIE-TOOTH NEUROPATHY, AXONAL, TYPE 2O; CHARCOT-MARIE-TOOTH DISEASE, AXONAL, AUTOSOMAL DOMINANT, TYPE 2O; Charcot-Marie-Tooth Neuropathy Type 2O; Charcot-Marie-Tooth disease, axonal, type 20. Identifiers: Orphanet 284232, MedGen C3280220, MONDO:0013644, OMIM 614228.

Submission:

Labcorp Genetics (formerly Invitae), Labcorp
Classification: Uncertain significance for Charcot-Marie-Tooth disease axonal type 2O. Last evaluated: 2024-09-19. Review status: criteria provided, single submitter. Criteria: Invitae Variant Classification Sherloc (09022015). Collection method: clinical testing. Allele origin: germline.
Comment: This sequence change falls in intron 8 of the DYNC1H1 gene. It does not directly change the encoded amino acid sequence of the DYNC1H1 protein. It affects a nucleotide within the consensus splice site. This variant is present in population databases (no rsID available, gnomAD 0.0009%). This variant has not been reported in the literature in individuals affected with DYNC1H1-related conditions. Variants that disrupt the consensus splice site are a relatively common cause of aberrant splicing (PMID: 17576681, 9536098). Algorithms developed to predict the effect of sequence changes on RNA splicing suggest that this variant is not likely to affect RNA splicing. In summary, the available evidence is currently insufficient to determine the role of this variant in disease. Therefore, it has been classified as a Variant of Uncertain Significance.

Literature cited by the submitters: PubMed 17576681; PubMed 9536098.